The following is an entry in ClinVar:

NM_001354587.1(ANKRD36):c.5200C>T (p.Leu1734=)

Gene: ANKRD36 (ankyrin repeat domain 36; plus strand). Cytogenetic location: 2q11.2.
Variant type: single nucleotide variant.
Coding change: c.5200C>T on transcript NM_001354587.1 (MANE Select); coding-DNA position 5200, C replaced by T.
Protein change: p.Leu1734=; no amino-acid change (leucine 1734 retained).
Molecular consequence: synonymous variant.
Genome position (GRCh38, 1-based): chr2:97,245,865, C>T. VCF-style: chr2-97245865-C-T. GRCh37 (hg19) VCF-style: chr2-97911602-C-T.
Identifiers: ClinVar variation 4533810 (VCV004533810.6).

ClinVar aggregate classification (germline): Likely benign (1 of 4 stars; one submission).

Submission:

CeGaT Center for Human Genetics Tuebingen
Classification: Likely benign. Last evaluated: 2025-12-01. Review status: criteria provided, single submitter. Criteria: CeGaT Center For Human Genetics Tuebingen Variant Classification Criteria Version 2. Collection method: clinical testing. Allele origin: germline. Affected: yes. Observed: 2 variant alleles.
Comment: ANKRD36: PM2:Supporting, BP4, BP7